The following is an entry in ClinVar:

ClinVar aggregate classification (germline): Uncertain significance (1 of 4 stars; one submission).

Submission:

Labcorp Genetics (formerly Invitae), Labcorp
Classification: Uncertain significance. Last evaluated: 2025-09-13. Review status: criteria provided, single submitter. Criteria: Invitae Variant Classification Sherloc (09022015). Collection method: clinical testing. Allele origin: germline.
Comment: This sequence change replaces arginine, which is basic and polar, with cysteine, which is neutral and slightly polar, at codon 282 of the HYOU1 protein (p.Arg282Cys). This variant is present in population databases (no rsID available, gnomAD 0.004%). This variant has not been reported in the literature in individuals affected with HYOU1-related conditions. An algorithm developed to predict the effect of missense changes on protein structure and function (PolyPhen-2) suggests that this variant is likely to be disruptive. In summary, the available evidence is currently insufficient to determine the role of this variant in disease. Therefore, it has been classified as a Variant of Uncertain Significance.

NM_006389.5(HYOU1):c.844C>T (p.Arg282Cys)

Gene: HYOU1 (hypoxia up-regulated 1; minus strand). Cytogenetic location: 11q23.3.
Variant type: single nucleotide variant.
Coding change: c.844C>T on transcript NM_006389.5 (MANE Select); coding-DNA position 844, C replaced by T.
Protein change: p.Arg282Cys; replaces arginine 282 with cysteine.
Molecular consequence: missense variant.
Genome position (GRCh38, 1-based): chr11:119,052,780, G>A on the plus strand (C>T on the coding strand, the complement: HYOU1 is on the minus strand). VCF-style: chr11-119052780-G-A. GRCh37 (hg19) VCF-style: chr11-118923492-G-A.
Other names: c.844C>T, p.Arg282Cys (NM_001130991.3, NM_001411041.1); short protein forms R282C.
Identifiers: ClinVar variation 4701652 (VCV004701652.1).